The following is an entry in ClinVar:

ClinVar aggregate classification (germline): Uncertain significance. Review status: criteria provided, multiple submitters, no conflicts (2 of 4 stars). 2 submissions from 2 submitters: Uncertain significance (2). Last evaluated 2024-12-31.

Conditions:
Inborn genetic diseases. Identifiers: MedGen C0950123, MeSH D030342.

Allele frequency attached by ClinVar (database versions not stated): ExAC 0.00002; gnomAD exomes 0.00002; TOPMed 0.00003; gnomAD 0.00005; 1000 Genomes Project 30x 0.00016; 1000 Genomes Project 0.00020.
gnomAD v4.1: 39 of 1,614,144 alleles (0.0024%); highest among the groups gnomAD compares: South Asian, 0.027%; no homozygotes.

Submissions (2):

Ambry Genetics
Classification: Uncertain significance for Inborn genetic diseases. Last evaluated: 2024-12-31. Review status: criteria provided, single submitter. Criteria: Ambry Variant Classification Scheme 2023. Collection method: clinical testing. Allele origin: germline.

Labcorp Genetics (formerly Invitae), Labcorp
Classification: Uncertain significance. Last evaluated: 2022-06-01. Review status: criteria provided, single submitter. Criteria: Invitae Variant Classification Sherloc (09022015). Collection method: clinical testing. Allele origin: germline.
Comment: This sequence change replaces alanine, which is neutral and non-polar, with threonine, which is neutral and polar, at codon 1075 of the ERCC6 protein (p.Ala1075Thr). This variant is present in population databases (rs574011598, gnomAD 0.03%). This variant has not been reported in the literature in individuals affected with ERCC6-related conditions. Algorithms developed to predict the effect of missense changes on protein structure and function output the following: SIFT: "Deleterious"; PolyPhen-2: "Benign"; Align-GVGD: "Class C55". The threonine amino acid residue is found in multiple mammalian species, which suggests that this missense change does not adversely affect protein function. In summary, the available evidence is currently insufficient to determine the role of this variant in disease. Therefore, it has been classified as a Variant of Uncertain Significance.

NM_000124.4(ERCC6):c.3223G>A (p.Ala1075Thr)

Gene: ERCC6 (ERCC excision repair 6, chromatin remodeling factor; minus strand). Cytogenetic location: 10q11.23.
Variant type: single nucleotide variant.
Coding change: c.3223G>A on transcript NM_000124.4 (MANE Select); coding-DNA position 3223, G replaced by A.
Protein change: p.Ala1075Thr; replaces alanine 1075 with threonine.
Molecular consequence: missense variant.
Genome position (GRCh38, 1-based): chr10:49,470,737, C>T on the plus strand (G>A on the coding strand, the complement: ERCC6 is on the minus strand). VCF-style: chr10-49470737-C-T. GRCh37 (hg19) VCF-style: chr10-50678783-C-T.
Other names: c.3223G>A, p.Ala1075Thr (NM_001346440.2); short protein forms A1075T.
Identifiers: ClinVar variation 2199472 (VCV002199472.2), dbSNP rs574011598, ClinGen allele CA5495386.
Genomic context (GRCh38, chr10:49,470,737, plus strand): 5'-GGTCATCTTTCAAAGGATCACTTCGATTAGAAGTTACTGCATTTACTTCAGCTCCTTTAG[C>T]CTCAGATTTCTCTTCAGATGATGTGGCATCATTTACAGATATGTTAGAAGCAGGGAACTT-3'
Protein context (NP_000115.1, residues 1065-1085): DATSSEEKSE[Ala1075Thr]KGAEVNAVTS